The following is an entry in ClinVar:

ClinVar aggregate classification (germline): Pathogenic/Likely pathogenic. Review status: criteria provided, multiple submitters, no conflicts (2 of 4 stars). 6 submissions from 6 submitters: Pathogenic (1); Likely pathogenic (4). 1 of the submissions does not count toward it. Last evaluated 2025-07-15.

Conditions:
Salla disease (SD). Also called: Sialuria, Finnish type; N-acetylneuraminic acid (NANA) storage disease (NSD); Infantile sialic acid storage disorder (ISSD); Less Severe FSASD (Salla Disease). Identifiers: Orphanet 309334, Orphanet 834, MedGen C1096903, MONDO:0011449, OMIM 604369.
Sialic acid storage disease, severe infantile type (ISSD). Also called: Free sialic acid storage disease, infantile form; Infantile Sialic Acid Storage Disease; INFANTILE SIALIC ACID STORAGE DISORDER; N-ACETYLNEURAMINIC ACID STORAGE DISEASE; NANA STORAGE DISEASE; SIALURIA, INFANTILE FORM. Identifiers: Orphanet 309324, Orphanet 834, MedGen C1096902, MONDO:0010027, OMIM 269920.

Allele frequency attached by ClinVar (database versions not stated): TOPMed below 0.00001.

Submissions (6):

Natera, Inc.
Classification: Likely pathogenic for Salla disease. Last evaluated: 2025-07-15. Review status: criteria provided, single submitter. Criteria: Natera Variant Classification Schema (03/2026). Collection method: clinical testing. Allele origin: germline.
Comment: The c.1001C>G variant in SLC17A5 is a missense variant predicted to cause substitution of proline to arginine at amino acid 334. This variant is rare in the general population with a frequency below the threshold expected for the associated phenotype(s). This variant has been observed in one or more individuals affected with the associated recessive disease, as either homozygous or compound heterozygous with a second variant (PMID: 10581036). Functional studies show that this variant may disrupt protein function (PMID: 15516337). Computational prediction algorithms indicate this variant is likely to affect gene or protein function. Given the available evidence, this variant is classified as Likely Pathogenic.

Fulgent Genetics
Classification: Likely pathogenic for Sialic acid storage disease, severe infantile type; Salla disease. Last evaluated: 2024-03-06. Review status: criteria provided, single submitter. Criteria: ACMG Guidelines, 2015. Collection method: clinical testing. Allele origin: germline.

Laboratory of Medical Genetics, National & Kapodistrian University of Athens
Classification: Pathogenic for Sialic acid storage disease, severe infantile type. Last evaluated: 2024-02-01. Review status: criteria provided, single submitter. Criteria: ACMG Guidelines, 2015. Collection method: curation. Allele origin: germline. Affected: no.

Labcorp Genetics (formerly Invitae), Labcorp
Classification: Likely pathogenic for Salla disease. Last evaluated: 2023-12-13. Review status: criteria provided, single submitter. Criteria: Invitae Variant Classification Sherloc (09022015). Collection method: clinical testing. Allele origin: germline.
Comment: This sequence change replaces proline, which is neutral and non-polar, with arginine, which is basic and polar, at codon 334 of the SLC17A5 protein (p.Pro334Arg). This variant is not present in population databases (gnomAD no frequency). This missense change has been observed in individual(s) with sialic acid storage disorder (PMID: 10581036). ClinVar contains an entry for this variant (Variation ID: 5619). Advanced modeling of protein sequence and biophysical properties (such as structural, functional, and spatial information, amino acid conservation, physicochemical variation, residue mobility, and thermodynamic stability) performed at Invitae indicates that this missense variant is expected to disrupt SLC17A5 protein function with a positive predictive value of 80%. Experimental studies have shown that this missense change affects SLC17A5 function (PMID: 15510212, 15516337, 18399798, 21781115). In summary, the currently available evidence indicates that the variant is pathogenic, but additional data are needed to prove that conclusively. Therefore, this variant has been classified as Likely Pathogenic.

Baylor Genetics
Classification: Likely pathogenic for Sialic acid storage disease, severe infantile type. Last evaluated: 2019-12-20. Review status: criteria provided, single submitter. Criteria: ACMG Guidelines, 2015. Collection method: clinical testing. Allele origin: unknown. Affected: yes.
Comment: This variant was determined to be likely pathogenic according to ACMG Guidelines, 2015 [PMID:25741868].

OMIM
Classification: Pathogenic for INFANTILE SIALIC ACID STORAGE DISORDER. Last evaluated: 1999-12-01. Review status: no assertion criteria provided. Collection method: literature only. Allele origin: germline. Not counted in ClinVar's aggregate classification.

Literature cited by the submitters: PubMed 10581036 (cited by 3 submitters); PubMed 15516337 (cited by Natera, Inc. and Labcorp Genetics (formerly Invitae), Labcorp); PubMed 15510212 (cited by Labcorp Genetics (formerly Invitae), Labcorp); PubMed 18399798 (cited by Labcorp Genetics (formerly Invitae), Labcorp); PubMed 21781115 (cited by Labcorp Genetics (formerly Invitae), Labcorp).

NM_012434.5(SLC17A5):c.1001C>G (p.Pro334Arg)

Gene: SLC17A5 (solute carrier family 17 member 5; minus strand). Cytogenetic location: 6q13.
Variant type: single nucleotide variant.
Coding change: c.1001C>G on transcript NM_012434.5 (MANE Select); coding-DNA position 1001, C replaced by G.
Protein change: p.Pro334Arg; replaces proline 334 with arginine.
Molecular consequence: missense variant.
Genome position (GRCh38, 1-based): chr6:73,615,425, G>C on the plus strand (C>G on the coding strand, the complement: SLC17A5 is on the minus strand). VCF-style: chr6-73615425-G-C. GRCh37 (hg19) VCF-style: chr6-74325148-G-C.
Other names: short protein forms P334R.
Identifiers: ClinVar variation 5619 (VCV000005619.10), dbSNP rs119491110, ClinGen allele CA253539.